The following is an entry in ClinVar:

NM_144997.7(FLCN):c.1153C>T (p.Gln385Ter)

Gene: FLCN (folliculin; minus strand). Cytogenetic location: 17p11.2.
Variant type: single nucleotide variant.
Coding change: c.1153C>T on transcript NM_144997.7 (MANE Select); coding-DNA position 1153, C replaced by T.
Protein change: p.Gln385Ter; replaces glutamine 385 with a stop codon.
Molecular consequence: nonsense.
Genome position (GRCh38, 1-based): chr17:17,217,092, G>A on the plus strand (C>T on the coding strand, the complement: FLCN is on the minus strand). VCF-style: chr17-17217092-G-A. GRCh37 (hg19) VCF-style: chr17-17120406-G-A.
Other names: c.1207C>T, p.Gln403Ter (NM_001353229.2); c.1153C>T, p.Gln385Ter (NM_001353230.2, NM_001353231.2); short protein forms Q385*, Q403*.
Identifiers: ClinVar variation 1076910 (VCV001076910.9), dbSNP rs2144869206, ClinGen allele CA398532178.

ClinVar aggregate classification (germline): Pathogenic. Review status: criteria provided, multiple submitters, no conflicts (2 of 4 stars). 4 submissions from 4 submitters: Pathogenic (3). 1 of the submissions does not count toward it. Last evaluated 2025-12-29.

Conditions:
Hereditary cancer-predisposing syndrome. Also called: Neoplastic Syndromes, Hereditary; Hereditary neoplastic syndrome; Tumor predisposition; Hereditary Cancer Syndrome. Identifiers: Orphanet 140162, MedGen C0027672, MeSH D009386, MONDO:0015356.
Birt-Hogg-Dube syndrome. Also called: Birt Hogg Dubé syndrome. Identifiers: Orphanet 122, MedGen C0346010, MONDO:0800444.

Allele frequency attached by ClinVar (database versions not stated): gnomAD exomes below 0.00001.

Submissions (4):

Center for Genomic Medicine, Rigshospitalet, Copenhagen University Hospital
Classification: Pathogenic. Last evaluated: 2025-12-29. Review status: criteria provided, single submitter. Criteria: ACMG Guidelines, 2015. Collection method: clinical testing. Allele origin: germline.

Labcorp Genetics (formerly Invitae), Labcorp
Classification: Pathogenic for Birt-Hogg-Dube syndrome. Last evaluated: 2024-07-12. Review status: criteria provided, single submitter. Criteria: Invitae Variant Classification Sherloc (09022015). Collection method: clinical testing. Allele origin: germline.
Comment: This sequence change creates a premature translational stop signal (p.Gln385*) in the FLCN gene. It is expected to result in an absent or disrupted protein product. Loss-of-function variants in FLCN are known to be pathogenic (PMID: 15852235). This variant is not present in population databases (gnomAD no frequency). This premature translational stop signal has been observed in individual(s) with clinical features of Birt-Hogg-Dube syndrome (PMID: 25059020, 27220747). ClinVar contains an entry for this variant (Variation ID: 1076910). For these reasons, this variant has been classified as Pathogenic.

Ambry Genetics
Classification: Pathogenic for Hereditary cancer-predisposing syndrome. Last evaluated: 2019-09-19. Review status: criteria provided, single submitter. Criteria: Ambry Variant Classification Scheme 2023. Collection method: clinical testing. Allele origin: germline.
Comment: The p.Q385* pathogenic mutation (also known as c.1153C>T), located in coding exon 7 of the FLCN gene, results from a C to T substitution at nucleotide position 1153. This changes the amino acid from a glutamine to a stop codon within coding exon 7. This mutation has been reported in individuals with Birt-Hogg-Dub&eacute; syndrome (Lin Z et al. Intern. Med. 2014 Dec;53:2825-8; Furuya M et al. Pathol. Int. 2019 Jan;69:1-12). In addition to the clinical data presented in the literature, this alteration is expected to result in loss of function by premature protein truncation or nonsense-mediated mRNA decay. As such, this alteration is interpreted as a disease-causing mutation.

Division of Respiratory Medicine of Juntendo University, Juntendo University Faculty of Medicine and Graduate School of Medicine
Classification: Pathogenic for Birt-Hogg-Dube syndrome 1. Last evaluated: 2023-07-01. Review status: no assertion criteria provided. Collection method: clinical testing. Allele origin: germline. Affected: yes. Not counted in ClinVar's aggregate classification.

Literature cited by the submitters: PubMed 30632664 (cited by Center for Genomic Medicine, Rigshospitalet, Copenhagen University Hospital and Ambry Genetics); PubMed 15852235 (cited by Labcorp Genetics (formerly Invitae), Labcorp); PubMed 25059020 (cited by Labcorp Genetics (formerly Invitae), Labcorp and Ambry Genetics); PubMed 27220747 (cited by Labcorp Genetics (formerly Invitae), Labcorp); PubMed 25500447 (cited by Ambry Genetics).